The following is an entry in ClinVar:

ClinVar aggregate classification (germline): Pathogenic. Review status: reviewed by expert panel (3 of 4 stars). 5 submissions from 5 submitters: Pathogenic (1). 4 of the submissions do not count toward it. Last evaluated 2016-10-18.

Conditions:
Hereditary cancer-predisposing syndrome. Also called: Neoplastic Syndromes, Hereditary; Tumor predisposition; Hereditary Cancer Syndrome; Hereditary neoplastic syndrome. Identifiers: Orphanet 140162, MedGen C0027672, MeSH D009386, MONDO:0015356.
Hereditary breast ovarian cancer syndrome. Also called: Hereditary breast and ovarian cancer syndrome; Hereditary breast and ovarian cancer; Hereditary breast and ovarian cancer syndrome (HBOC); Breast and ovarian cancer; Hereditary breast and/or ovarian cancer syndrome; BRCA1- and BRCA2-Associated Hereditary Breast and Ovarian Cancer. Identifiers: Orphanet 145, MedGen C0677776, MeSH D061325, MONDO:0003582. Disease mechanism: loss of function.
Breast-ovarian cancer, familial, susceptibility to, 2 (BROVCA2). Also called: BRCA2 Hereditary Breast and Ovarian Cancer. Identifiers: Orphanet 145, MedGen C2675520, MONDO:0012933, OMIM 612555. Disease mechanism: loss of function.

Submissions (5):

Evidence-based Network for the Interpretation of Germline Mutant Alleles (ENIGMA)
Classification: Pathogenic for Breast-ovarian cancer, familial, susceptibility to, 2. Last evaluated: 2016-10-18. Review status: reviewed by expert panel. Criteria: ENIGMA BRCA1/2 Classification Criteria (2015). Collection method: curation. Allele origin: germline.
Comment: Variant allele predicted to encode a truncated non-functional protein.

Labcorp Genetics (formerly Invitae), Labcorp
Classification: Pathogenic for Hereditary breast ovarian cancer syndrome. Last evaluated: 2025-08-12. Review status: criteria provided, single submitter. Criteria: Invitae Variant Classification Sherloc (09022015). Collection method: clinical testing. Allele origin: germline. Not counted in ClinVar's aggregate classification.
Comment: This sequence change creates a premature translational stop signal (p.Lys457Alafs*4) in the BRCA2 gene. It is expected to result in an absent or disrupted protein product. Loss-of-function variants in BRCA2 are known to be pathogenic (PMID: 20104584). This variant is not present in population databases (gnomAD no frequency). This premature translational stop signal has been observed in individual(s) with breast cancer (PMID: 20033483). For these reasons, this variant has been classified as Pathogenic.

Myriad Genetics, Inc.
Classification: Pathogenic for Breast-ovarian cancer, familial, susceptibility to, 2. Last evaluated: 2023-08-01. Review status: criteria provided, single submitter. Criteria: Myriad Autosomal Dominant, Autosomal Recessive and X-Linked Classification Criteria (2023). Collection method: clinical testing. Allele origin: unknown. Not counted in ClinVar's aggregate classification.
Comment: This variant is considered pathogenic. This variant creates a frameshift predicted to result in premature protein truncation.

Ambry Genetics
Classification: Pathogenic for Hereditary cancer-predisposing syndrome. Last evaluated: 2023-05-05. Review status: criteria provided, single submitter. Criteria: Ambry Variant Classification Scheme 2023. Collection method: clinical testing. Allele origin: germline. Not counted in ClinVar's aggregate classification.
Comment: The c.1368_1369delGA pathogenic mutation, located in coding exon 9 of the BRCA2 gene, results from a deletion of two nucleotides at nucleotide positions 1368 to 1369, causing a translational frameshift with a predicted alternate stop codon (p.K457Afs*4). This alteration has been identified in an individual diagnosed with ovarian cancer (Manchana T et al. World J Clin Oncol, 2019 Nov;10:358-368). This alteration is also known as c.1367_1368delAG in published literature. This variant is considered to be rare based on population cohorts in the Genome Aggregation Database (gnomAD). In addition to the clinical data presented in the literature, this alteration is expected to result in loss of function by premature protein truncation or nonsense-mediated mRNA decay. As such, this alteration is interpreted as a disease-causing mutation.

Consortium of Investigators of Modifiers of BRCA1/2 (CIMBA), c/o University of Cambridge
Classification: Pathogenic for Breast-ovarian cancer, familial, susceptibility to, 2. Last evaluated: 2015-10-02. Review status: criteria provided, single submitter. Criteria: CIMBA Mutation Classification guidelines May 2016. Collection method: clinical testing. Allele origin: germline. Not counted in ClinVar's aggregate classification.

Literature cited by the submitters: PubMed 20104584 (cited by Labcorp Genetics (formerly Invitae), Labcorp); PubMed 20033483 (cited by Labcorp Genetics (formerly Invitae), Labcorp); PubMed 31815095 (cited by Ambry Genetics).

NM_000059.4(BRCA2):c.1368_1369del (p.Lys457fs)

Gene: BRCA2 (BRCA2 DNA repair associated; plus strand). Cytogenetic location: 13q13.1.
Variant type: Microsatellite.
Coding change: c.1368_1369del on transcript NM_000059.4 (MANE Select); coding-DNA positions 1368 to 1369, 2 bases deleted (GA; older notation c.1368_1369delGA).
Protein change: p.Lys457fs; shifts the reading frame from lysine 457.
Molecular consequence: frameshift variant.
Genome position (GRCh38, 1-based): chr13:32,332,846-32,332,847, GA deleted; deleting any 2 consecutive bases within chr13:32,332,843-32,332,847 gives the same sequence; the c. name uses the placement nearest the transcript's 3' end. VCF-style (leftmost placement, unchanged base first): chr13-32332842-CAG-C. GRCh37 (hg19) VCF-style: chr13-32906979-CAG-C.
Other names: 1596delGA; c.1368_1369delGA (NM_000059.3); short protein forms K457fs.
Identifiers: ClinVar variation 51110 (VCV000051110.13), dbSNP rs397507583, ClinGen allele CA011781.
Genomic context (GRCh38, chr13:32,332,842, plus strand): 5'-GAAAGAAAGATTTTCTTACTTCAGAGAATTCTTTGCCACGTATTTCTAGCCTACCAAAAT[CAG>C]AGAAGCCATTAAATGAGGAAACAGTGGTAAATAAGAGAGATGAAGAGCAGCATCTTGAAT-3'